The following is an entry in ClinVar:

ClinVar aggregate classification (germline): Pathogenic (1 of 4 stars; one submission).

Conditions:
Ataxia-telangiectasia syndrome (AT). Also called: LOUIS-BAR SYNDROME; Ataxia telangiectasia (A-T); Cerebello-oculocutaneous telangiectasia; Immunodeficiency with ataxia telangiectasia; ATAXIA-TELANGIECTASIA, COMPLEMENTATION GROUP A; ATAXIA-TELANGIECTASIA, FRESNO VARIANT. Identifiers: Orphanet 100, MedGen C0004135, MONDO:0008840, OMIM 208900.

Submission:

Labcorp Genetics (formerly Invitae), Labcorp
Classification: Pathogenic for Ataxia-telangiectasia syndrome. Last evaluated: 2022-02-17. Review status: criteria provided, single submitter. Criteria: Invitae Variant Classification Sherloc (09022015). Collection method: clinical testing. Allele origin: germline.
Comment: This sequence change creates a premature translational stop signal (p.Ser1369Glnfs*17) in the ATM gene. It is expected to result in an absent or disrupted protein product. Loss-of-function variants in ATM are known to be pathogenic (PMID: 23807571, 25614872). This variant is not present in population databases (gnomAD no frequency). This premature translational stop signal has been observed in individual(s) with ataxia-telangiectasia (PMID: 10817650). Algorithms developed to predict the effect of sequence changes on RNA splicing suggest that this variant is not likely to affect RNA splicing. For these reasons, this variant has been classified as Pathogenic.

Literature cited by the submitters: PubMed 23807571; PubMed 25614872; PubMed 10817650.

NM_000051.4(ATM):c.4105del (p.Ser1369fs)

Gene: ATM (ATM serine/threonine kinase; plus strand). Cytogenetic location: 11q22.3.
Variant type: Deletion.
Coding change: c.4105del on transcript NM_000051.4 (MANE Select); coding-DNA position 4105, one base deleted (T; older notation c.4105delT).
Protein change: p.Ser1369fs; shifts the reading frame from serine 1369.
Molecular consequence: frameshift variant.
Genome position (GRCh38, 1-based): chr11:108,287,711, T deleted; the last of 4 consecutive T bases (chr11:108,287,708-108,287,711); deleting any one gives the same sequence. VCF-style (leftmost placement, unchanged base first): chr11-108287707-CT-C. GRCh37 (hg19) VCF-style: chr11-108158434-CT-C.
Other names: c.4105del, p.Ser1369fs (NM_001351834.2); short protein forms S1369fs.
Identifiers: ClinVar variation 2137240 (VCV002137240.4), dbSNP rs879254189, ClinGen allele CA2580083198.